The following is an entry in ClinVar:

ClinVar aggregate classification (germline): Uncertain significance (1 of 4 stars; one submission).

Allele frequency attached by ClinVar (database versions not stated): gnomAD exomes below 0.00001; ExAC 0.00001.
gnomAD v4.1: 1 of 1,613,430 alleles (0.000062%); highest among the groups gnomAD compares: South Asian, 0.0011%; no homozygotes.

Submission:

GeneDx
Classification: Uncertain significance. Last evaluated: 2016-04-04. Review status: criteria provided, single submitter. Criteria: GeneDx Variant Classification (06012015). Collection method: clinical testing. Allele origin: germline. Affected: yes.
Comment: A variant of uncertain significance has been identified in the UBE3A gene. The A521T variant has not been published as a pathogenic variant, nor has it been reported as a benign variant to our knowledge. It was not observed in approximately 6,500 individuals of European and African American ancestry in an external variant database, indicating it is not a common benign variant in these populations. The A521T variant is a non-conservative amino acid substitution, which is likely to impact secondary protein structure as these residues differ in polarity, charge, size and/or other properties. Additionally, this substitution occurs at a position that is conserved in mammals. However, in silico analysis is inconsistent in its predictions as to whether or not the variant is damaging to the protein structure/function. Therefore, based on the currently available information, it is unclear whether this variant is a pathogenic variant or a rare benign variant.

NM_130839.5(UBE3A):c.1621G>A (p.Ala541Thr)

Genes: SNHG14 (small nucleolar RNA host gene 14; plus strand), UBE3A (ubiquitin protein ligase E3A; minus strand). Cytogenetic location: 15q11.2.
Variant type: single nucleotide variant.
Coding change: c.1621G>A on transcript NM_130839.5 (MANE Select); coding-DNA position 1621, G replaced by A.
Protein change: p.Ala541Thr; replaces alanine 541 with threonine.
Molecular consequence: missense variant. On other transcripts: non-coding transcript variant (1).
Genome position (GRCh38, 1-based): chr15:25,360,515, C>T on the plus strand (G>A on the coding strand, the complement: UBE3A is on the minus strand). VCF-style: chr15-25360515-C-T. GRCh37 (hg19) VCF-style: chr15-25605662-C-T.
Other names: c.1630G>A, p.Ala544Thr (NM_000462.5); c.1621G>A, p.Ala541Thr (NM_001354505.1, NM_001354538.2, NM_001354545.2); c.1561G>A, p.Ala521Thr (NM_001354506.2, NM_001354507.2, NM_001354508.2 and 17 more transcripts); c.1444G>A, p.Ala482Thr (NM_001354546.2); c.370G>A, p.Ala124Thr (NM_001354550.2); c.310G>A, p.Ala104Thr (NM_001354551.2); short protein forms A521T, A482T, A104T, A124T, A541T, A544T.
Identifiers: ClinVar variation 449148 (VCV000449148.2), dbSNP rs755392575, ClinGen allele CA7435506.